The following is an entry in ClinVar:

ClinVar aggregate classification (germline): Uncertain significance (1 of 4 stars; one submission).

Conditions:
Carney complex, type 1 (CNC1). Also called: CARNEY COMPLEX, TYPE I; CARNEY MYXOMA-ENDOCRINE COMPLEX. Identifiers: Orphanet 1359, MedGen C2607929, MONDO:0008057, OMIM 160980.

Submission:

Labcorp Genetics (formerly Invitae), Labcorp
Classification: Uncertain significance for Carney complex, type 1. Last evaluated: 2023-05-12. Review status: criteria provided, single submitter. Criteria: Invitae Variant Classification Sherloc (09022015). Collection method: clinical testing. Allele origin: germline.
Comment: This sequence change replaces tryptophan, which is neutral and slightly polar, with arginine, which is basic and polar, at codon 262 of the PRKAR1A protein (p.Trp262Arg). This variant is not present in population databases (gnomAD no frequency). This variant has not been reported in the literature in individuals affected with PRKAR1A-related conditions. Advanced modeling of protein sequence and biophysical properties (such as structural, functional, and spatial information, amino acid conservation, physicochemical variation, residue mobility, and thermodynamic stability) has been performed at Invitae for this missense variant, however the output from this modeling did not meet the statistical confidence thresholds required to predict the impact of this variant on PRKAR1A protein function. In summary, the available evidence is currently insufficient to determine the role of this variant in disease. Therefore, it has been classified as a Variant of Uncertain Significance.

NM_002734.5(PRKAR1A):c.784T>C (p.Trp262Arg)

Gene: PRKAR1A (protein kinase cAMP-dependent type I regulatory subunit alpha; plus strand). Cytogenetic location: 17q24.2.
Variant type: single nucleotide variant.
Coding change: c.784T>C on transcript NM_002734.5 (MANE Select); coding-DNA position 784, T replaced by C.
Protein change: p.Trp262Arg; replaces tryptophan 262 with arginine.
Molecular consequence: missense variant.
Genome position (GRCh38, 1-based): chr17:68,528,884, T>C. VCF-style: chr17-68528884-T-C. GRCh37 (hg19) VCF-style: chr17-66525025-T-C.
Other names: c.784T>C, p.Trp262Arg (NM_001276289.2, NM_001276290.1, NM_001278433.2 and 4 more transcripts); short protein forms W262R.
Identifiers: ClinVar variation 2863724 (VCV002863724.3), dbSNP rs2509437283, ClinGen allele CA16020713.